The following is an entry in ClinVar:

ClinVar aggregate classification (germline): Conflicting classifications of pathogenicity. Review status: criteria provided, conflicting classifications (1 of 4 stars). 2 submissions from 2 submitters: Uncertain significance (1); Likely benign (1). Last evaluated 2025-11-24.

Conditions:
Familial sleep-related hypermotor epilepsy. Also called: Autosomal Dominant Sleep-Related Hypermotor (Hyperkinetic) Epilepsy. Identifiers: Orphanet 98784, MedGen C3696898, MONDO:0000030.

Submissions (2):

Labcorp Genetics (formerly Invitae), Labcorp
Classification: Likely benign. Last evaluated: 2025-11-24. Review status: criteria provided, single submitter. Criteria: Invitae Variant Classification Sherloc (09022015). Collection method: clinical testing. Allele origin: germline.

GeneDx
Classification: Uncertain significance. Last evaluated: 2023-11-15. Review status: criteria provided, single submitter. Criteria: GeneDx Variant Classification Process June 2021. Collection method: clinical testing. Allele origin: germline. Affected: yes.
Comment: Not observed at significant frequency in large population cohorts (gnomAD); In silico analysis supports that this missense variant does not alter protein structure/function; Has not been previously published as pathogenic or benign to our knowledge

NM_000744.7(CHRNA4):c.1619T>C (p.Val540Ala)

Gene: CHRNA4 (cholinergic receptor nicotinic alpha 4 subunit; minus strand). Cytogenetic location: 20q13.33.
Variant type: single nucleotide variant.
Coding change: c.1619T>C on transcript NM_000744.7 (MANE Select); coding-DNA position 1619, T replaced by C.
Protein change: p.Val540Ala; replaces valine 540 with alanine.
Molecular consequence: missense variant. On other transcripts: non-coding transcript variant (1).
Genome position (GRCh38, 1-based): chr20:63,349,792, A>G on the plus strand (T>C on the coding strand, the complement: CHRNA4 is on the minus strand). VCF-style: chr20-63349792-A-G. GRCh37 (hg19) VCF-style: chr20-61981144-A-G.
Other names: c.1091T>C, p.Val364Ala (NM_001256573.2); short protein forms V364A, V540A.
Identifiers: ClinVar variation 3364435 (VCV003364435.2).